The following is an entry in ClinVar:

ClinVar aggregate classification (germline): Uncertain significance. Review status: criteria provided, multiple submitters, no conflicts (2 of 4 stars). 2 submissions from 2 submitters: Uncertain significance (2). Last evaluated 2025-08-12.

Conditions:
SCLT1-related disorder. Also called: SCLT1-related condition.

gnomAD v4.1: 64 of 1,594,230 alleles (0.004%); highest among the groups gnomAD compares: Non-Finnish European, 0.0052%; no homozygotes.

Submissions (2):

Ambry Genetics
Classification: Uncertain significance. Last evaluated: 2025-08-12. Review status: criteria provided, single submitter. Criteria: Ambry Variant Classification Scheme 2023. Collection method: clinical testing. Allele origin: germline.

PreventionGenetics, part of Exact Sciences
Classification: Uncertain significance for SCLT1-related condition. Last evaluated: 2025-05-08. Review status: criteria provided, single submitter. Criteria: ACMG Guidelines, 2015. Collection method: clinical testing. Allele origin: germline.
Comment: The SCLT1 c.1814G>A variant is predicted to result in the amino acid substitution p.Arg605Lys. To our knowledge, this variant has not been reported in the literature. This variant is reported in 0.0034% of alleles in individuals of Latino descent in gnomAD. At this time, the clinical significance of this variant is uncertain due to the absence of conclusive functional and genetic evidence.

NM_144643.4(SCLT1):c.1814G>A (p.Arg605Lys)

Gene: SCLT1 (sodium channel and clathrin linker 1; minus strand). Cytogenetic location: 4q28.2.
Variant type: single nucleotide variant.
Coding change: c.1814G>A on transcript NM_144643.4 (MANE Select); coding-DNA position 1814, G replaced by A.
Protein change: p.Arg605Lys; replaces arginine 605 with lysine.
Molecular consequence: missense variant.
Genome position (GRCh38, 1-based): chr4:128,936,670, C>T on the plus strand (G>A on the coding strand, the complement: SCLT1 is on the minus strand). VCF-style: chr4-128936670-C-T. GRCh37 (hg19) VCF-style: chr4-129857825-C-T.
Other names: c.1814G>A (NM_144643.3); short protein forms R605K.
Identifiers: ClinVar variation 4160484 (VCV004160484.2).